The following is an entry in ClinVar:

NM_001151.4(SLC25A4):c.850G>A (p.Gly284Ser)

Gene: SLC25A4 (solute carrier family 25 member 4; plus strand). Cytogenetic location: 4q35.1.
Variant type: single nucleotide variant.
Coding change: c.850G>A on transcript NM_001151.4 (MANE Select); coding-DNA position 850, G replaced by A.
Protein change: p.Gly284Ser; replaces glycine 284 with serine.
Molecular consequence: missense variant.
Genome position (GRCh38, 1-based): chr4:185,146,924, G>A. VCF-style: chr4-185146924-G-A. GRCh37 (hg19) VCF-style: chr4-186068078-G-A.
Other names: short protein forms G284S.
Identifiers: ClinVar variation 3163739 (VCV003163739.3), dbSNP rs756745748, ClinGen allele CA112007881.
Genomic context (GRCh38, chr4:185,146,924, plus strand): 5'-GACGAAGGAGCCAAGGCCTTCTTCAAAGGTGCCTGGTCCAATGTGCTGAGAGGCATGGGC[G>A]GTGCTTTTGTATTGGTGTTGTATGATGAGATCAAAAAATATGTCTAATGTAATTAAAACA-3'
Protein context (NP_001142.2, residues 274-294): AWSNVLRGMG[Gly284Ser]AFVLVLYDEI

ClinVar aggregate classification (germline): Uncertain significance. Review status: criteria provided, multiple submitters, no conflicts (2 of 4 stars). 2 submissions from 2 submitters: Uncertain significance (2). Last evaluated 2026-05-01.

Conditions:
Inborn genetic diseases. Identifiers: MedGen C0950123, MeSH D030342.

Allele frequency attached by ClinVar (database versions not stated): gnomAD exomes below 0.00001; TOPMed below 0.00001; gnomAD 0.00001.
gnomAD v4.1: 6 of 1,613,994 alleles (0.00037%); highest among the groups gnomAD compares: Non-Finnish European, 0.00051%; no homozygotes.

Submissions (2):

CeGaT Center for Human Genetics Tuebingen
Classification: Uncertain significance. Last evaluated: 2026-05-01. Review status: criteria provided, single submitter. Criteria: CeGaT Center For Human Genetics Tuebingen Variant Classification Criteria Version 2. Collection method: clinical testing. Allele origin: germline. Affected: yes. Observed: 1 variant allele.
Comment: SLC25A4: PM2

Ambry Genetics
Classification: Uncertain significance for Inborn genetic diseases. Last evaluated: 2023-12-20. Review status: criteria provided, single submitter. Criteria: Ambry Variant Classification Scheme 2023. Collection method: clinical testing. Allele origin: germline.